The following is an entry in ClinVar:

ClinVar aggregate classification (germline): Likely benign. Review status: criteria provided, multiple submitters, no conflicts (2 of 4 stars). 2 submissions from 2 submitters: Likely benign (2). Last evaluated 2026-04-28.

Conditions:
VPS13B-related disorder. Also called: VPS13B-related condition.
Cohen syndrome (COH1). Also called: PEPPER SYNDROME; Cutis verticis gyrata, retinitis pigmentosa, and sensorineural deafness. Identifiers: Orphanet 193, MedGen C0265223, MONDO:0008999, OMIM 216550.

Allele frequency attached by ClinVar (database versions not stated): gnomAD exomes 0.00001 and 0.00002; TOPMed 0.00001; ExAC 0.00002; gnomAD 0.00016.
gnomAD v4.1: 37 of 1,613,130 alleles (0.0023%); highest among the groups gnomAD compares: South Asian, 0.0066%; no homozygotes.

Submissions (2):

PreventionGenetics, part of Exact Sciences
Classification: Likely benign for VPS13B-related condition. Last evaluated: 2026-04-28. Review status: criteria provided, single submitter. Criteria: ACMG Guidelines, 2015. Collection method: clinical testing. Allele origin: germline.
Comment: This variant is classified as likely benign based on ACMG/AMP sequence variant interpretation guidelines (Richards et al. 2015 PMID: 25741868, with internal and published modifications).

Labcorp Genetics (formerly Invitae), Labcorp
Classification: Likely benign for Cohen syndrome. Last evaluated: 2026-02-02. Review status: criteria provided, single submitter. Criteria: Invitae Variant Classification Sherloc (09022015). Collection method: clinical testing. Allele origin: germline.

NM_152564.5(VPS13B):c.10868-8C>T

Gene: VPS13B (vacuolar protein sorting 13 homolog B; plus strand). Cytogenetic location: 8q22.2.
Variant type: single nucleotide variant.
Coding change: c.10868-8C>T on transcript NM_152564.5 (MANE Select); 8 bases into the intron before coding-DNA position 10868, C replaced by T.
Molecular consequence: intron variant.
Genome position (GRCh38, 1-based): chr8:99,859,296, C>T. VCF-style: chr8-99859296-C-T. GRCh37 (hg19) VCF-style: chr8-100871524-C-T.
Other names: c.10943-8C>T (NM_017890.5); c.10868-8C>T (NM_152564.4).
Identifiers: ClinVar variation 797240 (VCV000797240.11), dbSNP rs770620321, ClinGen allele CA4825053.